The following is an entry in ClinVar:

NM_001035.3(RYR2):c.5299A>G (p.Ser1767Gly)

Gene: RYR2 (ryanodine receptor 2; plus strand). Cytogenetic location: 1q43.
Variant type: single nucleotide variant.
Coding change: c.5299A>G on transcript NM_001035.3 (MANE Select); coding-DNA position 5299, A replaced by G.
Protein change: p.Ser1767Gly; replaces serine 1767 with glycine.
Molecular consequence: missense variant.
Genome position (GRCh38, 1-based): chr1:237,614,427, A>G. VCF-style: chr1-237614427-A-G. GRCh37 (hg19) VCF-style: chr1-237777727-A-G.
Other names: short protein forms S1767G.
Identifiers: ClinVar variation 1472224 (VCV001472224.9), dbSNP rs751819202, ClinGen allele CA086868.

ClinVar aggregate classification (germline): Uncertain significance (1 of 4 stars; one submission).

Conditions:
Catecholaminergic polymorphic ventricular tachycardia 1. Also called: VENTRICULAR TACHYCARDIA, CATECHOLAMINERGIC POLYMORPHIC, 1, WITH OR WITHOUT ATRIAL DYSFUNCTION AND/OR DILATED CARDIOMYOPATHY; RYR2-Related Catecholaminergic Polymorphic Ventricular Tachycardia; VENTRICULAR TACHYCARDIA, STRESS-INDUCED POLYMORPHIC 1. Identifiers: Orphanet 3286, MedGen C1631597, MONDO:0011484, OMIM 604772.

Allele frequency attached by ClinVar (database versions not stated): gnomAD exomes below 0.00001; ExAC 0.00001.

Submission:

Labcorp Genetics (formerly Invitae), Labcorp
Classification: Uncertain significance for Catecholaminergic polymorphic ventricular tachycardia 1. Last evaluated: 2023-08-24. Review status: criteria provided, single submitter. Criteria: Invitae Variant Classification Sherloc (09022015). Collection method: clinical testing. Allele origin: germline.
Comment: In summary, the available evidence is currently insufficient to determine the role of this variant in disease. Therefore, it has been classified as a Variant of Uncertain Significance. Advanced modeling of protein sequence and biophysical properties (such as structural, functional, and spatial information, amino acid conservation, physicochemical variation, residue mobility, and thermodynamic stability) performed at Invitae indicates that this missense variant is not expected to disrupt RYR2 protein function. ClinVar contains an entry for this variant (Variation ID: 1472224). This variant has not been reported in the literature in individuals affected with RYR2-related conditions. This variant is present in population databases (rs751819202, gnomAD 0.006%). This sequence change replaces serine, which is neutral and polar, with glycine, which is neutral and non-polar, at codon 1767 of the RYR2 protein (p.Ser1767Gly).